The following is an entry in ClinVar:

NM_006180.6(NTRK2):c.2463C>G (p.Thr821=)

Gene: NTRK2 (neurotrophic receptor tyrosine kinase 2; plus strand). Cytogenetic location: 9q21.33.
Variant type: single nucleotide variant.
Coding change: c.2463C>G on transcript NM_006180.6 (MANE Select); coding-DNA position 2463, C replaced by G.
Protein change: p.Thr821=; no amino-acid change (threonine 821 retained).
Molecular consequence: synonymous variant.
Genome position (GRCh38, 1-based): chr9:85,021,383, C>G. VCF-style: chr9-85021383-C-G. GRCh37 (hg19) VCF-style: chr9-87636298-C-G.
Other names: c.2415C>G, p.Thr805= (NM_001018064.3, NM_001369532.1, NM_001369533.1); c.2379C>G, p.Thr793= (NM_001369534.1); c.1947C>G, p.Thr649= (NM_001369535.1); c.1995C>G, p.Thr665= (NM_001369536.1).
Identifiers: ClinVar variation 4996078 (VCV004996078.1).

ClinVar aggregate classification (germline): Likely benign (1 of 4 stars; one submission).

Conditions:
NTRK2-related disorder. Also called: NTRK2-related condition.

gnomAD v4.1: 1 of 1,614,166 alleles (0.000062%); no homozygotes.

Submission:

PreventionGenetics, part of Exact Sciences
Classification: Likely benign for NTRK2-related condition. Last evaluated: 2026-08-22. Review status: criteria provided, single submitter. Criteria: ACMG Guidelines, 2015. Collection method: clinical testing. Allele origin: germline.
Comment: This variant is classified as likely benign based on ACMG/AMP sequence variant interpretation guidelines (Richards et al. 2015 PMID: 25741868, with internal and published modifications).